The following is an entry in ClinVar:

ClinVar aggregate classification (germline): Uncertain significance. Review status: criteria provided, multiple submitters, no conflicts (2 of 4 stars). 7 submissions from 7 submitters: Uncertain significance (7). Last evaluated 2025-12-31.

Conditions:
Cardiovascular phenotype. Identifiers: MedGen CN230736.
Arrhythmogenic right ventricular dysplasia 11. Also called: Arrhythmogenic right ventricular dysplasia 11 with mild palmoplantar keratoderma and woolly hair; Arrhythmogenic Right Ventricular Dysplasia/Cardiomyopathy11; ARRHYTHMOGENIC RIGHT VENTRICULAR DYSPLASIA, FAMILIAL, 11. Identifiers: MedGen C1864850, MONDO:0012506, OMIM 610476.
Arrhythmogenic right ventricular cardiomyopathy (ARVD). Also called: Arrhythmogenic right ventricular dysplasia; Arrhythmogenic cardiomyopathy; Arrhythmogenic Right Ventricular Cardiomyopathy (ARVC); Cardiomyopathy, ARVC. Identifiers: Orphanet 247, MedGen C0349788, MeSH D019571, MONDO:0016587. Disease mechanism: loss of function. Inheritance: Various modes of inheritance.
Familial isolated arrhythmogenic right ventricular dysplasia. Identifiers: Orphanet 217656, MedGen C4274968, MONDO:0016342.
Cardiomyopathy (CMYO). Also called: Cardiomyopathies. Identifiers: Orphanet 167848, MedGen C0878544, MONDO:0004994, HP:0001638. Inheritance: Various modes of inheritance.

Allele frequency attached by ClinVar (database versions not stated): gnomAD 0.00003 and 0.00004; TOPMed 0.00003.
gnomAD v4.1: 9 of 1,613,642 alleles (0.00056%); highest among the groups gnomAD compares: African/African-American, 0.011%; no homozygotes.

Submissions (7):

Ambry Genetics
Classification: Uncertain significance for Cardiovascular phenotype. Last evaluated: 2025-12-31. Review status: criteria provided, single submitter. Criteria: Ambry Variant Classification Scheme 2023. Collection method: clinical testing. Allele origin: germline.

Labcorp Genetics (formerly Invitae), Labcorp
Classification: Uncertain significance for Arrhythmogenic right ventricular dysplasia 11. Last evaluated: 2025-08-11. Review status: criteria provided, single submitter. Criteria: Invitae Variant Classification Sherloc (09022015). Collection method: clinical testing. Allele origin: germline.
Comment: This sequence change replaces alanine, which is neutral and non-polar, with threonine, which is neutral and polar, at codon 164 of the DSC2 protein (p.Ala164Thr). This variant is present in population databases (no rsID available, gnomAD 0.01%). This variant has not been reported in the literature in individuals affected with DSC2-related conditions. ClinVar contains an entry for this variant (Variation ID: 496669). Invitae Evidence Modeling of protein sequence and biophysical properties (such as structural, functional, and spatial information, amino acid conservation, physicochemical variation, residue mobility, and thermodynamic stability) indicates that this missense variant is expected to disrupt DSC2 protein function with a positive predictive value of 80%. In summary, the available evidence is currently insufficient to determine the role of this variant in disease. Therefore, it has been classified as a Variant of Uncertain Significance.

GeneDx
Classification: Uncertain significance. Last evaluated: 2024-09-19. Review status: criteria provided, single submitter. Criteria: GeneDx Variant Classification Process June 2021. Collection method: clinical testing. Allele origin: germline. Affected: yes.
Comment: Not observed at significant frequency in large population cohorts (gnomAD); In silico analysis supports that this missense variant has a deleterious effect on protein structure/function; Has not been previously published as pathogenic or benign to our knowledge

Color Diagnostics, LLC DBA Color Health
Classification: Uncertain significance for Cardiomyopathy. Last evaluated: 2024-08-12. Review status: criteria provided, single submitter. Criteria: ACMG Guidelines, 2015. Collection method: clinical testing. Allele origin: germline.
Comment: This missense variant replaces alanine with threonine at codon 164 of the DSC2 protein. Computational prediction suggests that this variant may not impact protein structure and function. To our knowledge, functional studies have not been reported for this variant. This variant has not been reported in individuals affected with DSC2-related disorders in the literature. This variant has been identified in 1/31384 chromosomes in the general population by the Genome Aggregation Database (gnomAD). The available evidence is insufficient to determine the role of this variant in disease conclusively. Therefore, this variant is classified as a Variant of Uncertain Significance.

All of Us Research Program, National Institutes of Health
Classification: Uncertain significance for Familial isolated arrhythmogenic right ventricular dysplasia. Last evaluated: 2023-05-16. Review status: criteria provided, single submitter. Criteria: ACMG Guidelines, 2015. Collection method: clinical testing. Allele origin: germline. Inheritance: Autosomal dominant inheritance. Observed: 1 variant allele, 1 heterozygote.
Comment: This missense variant replaces alanine with threonine at codon 164 of the DSC2 protein. Computational prediction suggests that this variant may not impact protein structure and function (internally defined REVEL score threshold <= 0.5, PMID: 27666373). To our knowledge, functional studies have not been reported for this variant. This variant has not been reported in individuals affected with DSC2-related disorders in the literature. This variant has been identified in 1/31384 chromosomes in the general population by the Genome Aggregation Database (gnomAD). The available evidence is insufficient to determine the role of this variant in disease conclusively. Therefore, this variant is classified as a Variant of Uncertain Significance.

This study involves interpretation of variants in research participants for the purpose of population health screening. Participant phenotype was not available at the time of variant classification. Additional details can be found in publication PMID: 35346344, PMCID: PMC8962531

Blueprint Genetics
Classification: Uncertain significance. Last evaluated: 2019-06-17. Review status: criteria provided, single submitter. Criteria: ACMG Guidelines, 2015. Collection method: clinical testing. Allele origin: germline.

CSER _CC_NCGL, University of Washington
Classification: Uncertain significance for Arrhythmogenic right ventricular dysplasia. Last evaluated: 2016-10-01. Review status: criteria provided, single submitter. Criteria: Amendola et al. (Genome Res. 2015). Collection method: research. Allele origin: germline. Affected: no. Study: CSER - NEXT Medicine variant annotation.
Comment: This interpretation considers GERP score and allele frequency data, in addition to published reports of the variant in the literature, available at the time of review.

NM_024422.6(DSC2):c.490G>A (p.Ala164Thr)

Gene: DSC2 (desmocollin 2; minus strand). Cytogenetic location: 18q12.1.
Variant type: single nucleotide variant.
Coding change: c.490G>A on transcript NM_024422.6 (MANE Select); coding-DNA position 490, G replaced by A.
Protein change: p.Ala164Thr; replaces alanine 164 with threonine.
Molecular consequence: missense variant.
Genome position (GRCh38, 1-based): chr18:31,089,579, C>T on the plus strand (G>A on the coding strand, the complement: DSC2 is on the minus strand). VCF-style: chr18-31089579-C-T. GRCh37 (hg19) VCF-style: chr18-28669542-C-T.
Other names: c.490G>A (LRG_400t1); c.490G>A, p.Ala164Thr (NM_004949.5); short protein forms A164T.
Identifiers: ClinVar variation 496669 (VCV000496669.19), dbSNP rs978623916, ClinGen allele CA297641977.